The following is an entry in ClinVar:

NM_000388.4(CASR):c.2568G>C (p.Lys856Asn)

Gene: CASR (calcium sensing receptor; plus strand). Cytogenetic location: 3q21.1.
Variant type: single nucleotide variant.
Coding change: c.2568G>C on transcript NM_000388.4 (MANE Select); coding-DNA position 2568, G replaced by C.
Protein change: p.Lys856Asn; replaces lysine 856 with asparagine.
Molecular consequence: missense variant.
Genome position (GRCh38, 1-based): chr3:122,284,522, G>C. VCF-style: chr3-122284522-G-C. GRCh37 (hg19) VCF-style: chr3-122003369-G-C.
Other names: c.2598G>C, p.Lys866Asn (NM_001178065.2); short protein forms K856N, K866N.
Identifiers: ClinVar variation 3747868 (VCV003747868.2).

ClinVar aggregate classification (germline): Uncertain significance (1 of 4 stars; one submission).

Conditions:
Autosomal dominant hypocalcemia 1 (HYPOC1). Also called: HYPOCALCEMIA, FAMILIAL. Identifiers: MedGen C3715128, MONDO:0011013, OMIM 601198.
Familial hypocalciuric hypercalcemia (FHH). Also called: Familial benign hypercalcemia. Identifiers: Orphanet 405, MedGen C1809471, MONDO:0018458.

Submission:

Labcorp Genetics (formerly Invitae), Labcorp
Classification: Uncertain significance for Familial hypocalciuric hypercalcemia; Autosomal dominant hypocalcemia 1. Last evaluated: 2024-12-20. Review status: criteria provided, single submitter. Criteria: Invitae Variant Classification Sherloc (09022015). Collection method: clinical testing. Allele origin: germline.
Comment: This sequence change replaces lysine, which is basic and polar, with asparagine, which is neutral and polar, at codon 856 of the CASR protein (p.Lys856Asn). This variant is not present in population databases (gnomAD no frequency). This variant has not been reported in the literature in individuals affected with CASR-related conditions. An algorithm developed to predict the effect of missense changes on protein structure and function (PolyPhen-2) suggests that this variant is likely to be disruptive. In summary, the available evidence is currently insufficient to determine the role of this variant in disease. Therefore, it has been classified as a Variant of Uncertain Significance.